The following is an entry in ClinVar:

ClinVar aggregate classification (germline): Uncertain significance. Review status: criteria provided, multiple submitters, no conflicts (2 of 4 stars). 3 submissions from 3 submitters: Uncertain significance (3). Last evaluated 2025-06-07.

Conditions:
Methylmalonic aciduria due to methylmalonyl-CoA mutase deficiency (MAMM). Also called: Methylmalonic aciduria, mut type. Identifiers: Orphanet 27, MedGen C1855114, MONDO:0009612, OMIM 251000.

Allele frequency attached by ClinVar (database versions not stated): gnomAD 0.00001 and 0.00002; gnomAD exomes 0.00001 and 0.00002; ExAC 0.00002; TOPMed 0.00005.
gnomAD v4.1: 35 of 1,614,136 alleles (0.0022%); highest among the groups gnomAD compares: African/African-American, 0.004%; no homozygotes.

Submissions (3):

Ambry Genetics
Classification: Uncertain significance. Last evaluated: 2025-06-07. Review status: criteria provided, single submitter. Criteria: Ambry Variant Classification Scheme 2023. Collection method: clinical testing. Allele origin: germline.

Labcorp Genetics (formerly Invitae), Labcorp
Classification: Uncertain significance. Last evaluated: 2022-08-20. Review status: criteria provided, single submitter. Criteria: Invitae Variant Classification Sherloc (09022015). Collection method: clinical testing. Allele origin: germline.
Comment: This sequence change replaces proline, which is neutral and non-polar, with leucine, which is neutral and non-polar, at codon 64 of the MUT protein (p.Pro64Leu). This variant is present in population databases (rs575038087, gnomAD 0.01%). This variant has not been reported in the literature in individuals affected with MUT-related conditions. ClinVar contains an entry for this variant (Variation ID: 523066). Algorithms developed to predict the effect of missense changes on protein structure and function are either unavailable or do not agree on the potential impact of this missense change (SIFT: "Deleterious"; PolyPhen-2: "Benign"; Align-GVGD: "Class C0"). In summary, the available evidence is currently insufficient to determine the role of this variant in disease. Therefore, it has been classified as a Variant of Uncertain Significance.

Genomic Research Center, Shahid Beheshti University of Medical Sciences
Classification: Uncertain significance for Methylmalonic aciduria due to methylmalonyl-CoA mutase deficiency. Last evaluated: 2017-12-18. Review status: criteria provided, single submitter. Criteria: ACMG Guidelines, 2015. Collection method: clinical testing. Allele origin: inherited.

NM_000255.4(MMUT):c.191C>T (p.Pro64Leu)

Gene: MMUT (methylmalonyl-CoA mutase; minus strand). Cytogenetic location: 6p12.3.
Variant type: single nucleotide variant.
Coding change: c.191C>T on transcript NM_000255.4 (MANE Select); coding-DNA position 191, C replaced by T.
Protein change: p.Pro64Leu; replaces proline 64 with leucine.
Molecular consequence: missense variant.
Genome position (GRCh38, 1-based): chr6:49,459,276, G>A on the plus strand (C>T on the coding strand, the complement: MMUT is on the minus strand). VCF-style: chr6-49459276-G-A. GRCh37 (hg19) VCF-style: chr6-49426989-G-A.
Other names: short protein forms P64L.
Identifiers: ClinVar variation 523066 (VCV000523066.8), dbSNP rs575038087, ClinGen allele CA3847168.